The following is an entry in ClinVar:

ClinVar aggregate classification (germline): Uncertain significance (1 of 4 stars; one submission).

gnomAD v4.1: 2 of 1,614,192 alleles (0.00012%); highest among the groups gnomAD compares: Non-Finnish European, 0.00017%; no homozygotes.

Submission:

Labcorp Genetics (formerly Invitae), Labcorp
Classification: Uncertain significance. Last evaluated: 2025-06-12. Review status: criteria provided, single submitter. Criteria: Invitae Variant Classification Sherloc (09022015). Collection method: clinical testing. Allele origin: germline.
Comment: This sequence change replaces serine, which is neutral and polar, with glycine, which is neutral and non-polar, at codon 2127 of the FLNB protein (p.Ser2127Gly). This variant is not present in population databases (gnomAD no frequency). This variant has not been reported in the literature in individuals affected with FLNB-related conditions. Invitae Evidence Modeling of protein sequence and biophysical properties (such as structural, functional, and spatial information, amino acid conservation, physicochemical variation, residue mobility, and thermodynamic stability) indicates that this missense variant is not expected to disrupt FLNB protein function with a negative predictive value of 95%. In summary, the available evidence is currently insufficient to determine the role of this variant in disease. Therefore, it has been classified as a Variant of Uncertain Significance.

NM_001457.4(FLNB):c.6379A>G (p.Ser2127Gly)

Gene: FLNB (filamin B; plus strand). Cytogenetic location: 3p14.3.
Variant type: single nucleotide variant.
Coding change: c.6379A>G on transcript NM_001457.4 (MANE Select); coding-DNA position 6379, A replaced by G.
Protein change: p.Ser2127Gly; replaces serine 2127 with glycine.
Molecular consequence: missense variant.
Genome position (GRCh38, 1-based): chr3:58,153,386, A>G. VCF-style: chr3-58153386-A-G. GRCh37 (hg19) VCF-style: chr3-58139113-A-G.
Other names: c.6472A>G, p.Ser2158Gly (NM_001164317.2); c.6346A>G, p.Ser2116Gly (NM_001164318.2); c.6307A>G, p.Ser2103Gly (NM_001164319.2); short protein forms S2103G, S2116G, S2127G, S2158G.
Identifiers: ClinVar variation 4801726 (VCV004801726.1).